The following is an entry in ClinVar:

NM_001365999.1(SZT2):c.5734C>T (p.Pro1912Ser)

Gene: SZT2 (SZT2 subunit of KICSTOR complex; plus strand). Cytogenetic location: 1p34.2.
Variant type: single nucleotide variant.
Coding change: c.5734C>T on transcript NM_001365999.1 (MANE Select); coding-DNA position 5734, C replaced by T.
Protein change: p.Pro1912Ser; replaces proline 1912 with serine.
Molecular consequence: missense variant.
Genome position (GRCh38, 1-based): chr1:43,433,120, C>T. VCF-style: chr1-43433120-C-T. GRCh37 (hg19) VCF-style: chr1-43898791-C-T.
Other names: c.5563C>T, p.Pro1855Ser (NM_015284.4); short protein forms P1912S, P1855S.
Identifiers: ClinVar variation 1933542 (VCV001933542.6), dbSNP rs200870341, ClinGen allele CA809679.

ClinVar aggregate classification (germline): Uncertain significance. Review status: criteria provided, multiple submitters, no conflicts (2 of 4 stars). 2 submissions from 2 submitters: Uncertain significance (2). Last evaluated 2024-11-04.

Allele frequency attached by ClinVar (database versions not stated): gnomAD exomes below 0.00001; ExAC 0.00001; gnomAD 0.00001; 1000 Genomes Project 30x 0.00016; 1000 Genomes Project 0.00020.
gnomAD v4.1: 3 of 1,614,180 alleles (0.00019%); highest among the groups gnomAD compares: Admixed American, 0.0017%; no homozygotes.

Submissions (2):

Labcorp Genetics (formerly Invitae), Labcorp
Classification: Uncertain significance. Last evaluated: 2024-11-04. Review status: criteria provided, single submitter. Criteria: Invitae Variant Classification Sherloc (09022015). Collection method: clinical testing. Allele origin: germline.
Comment: This sequence change replaces proline, which is neutral and non-polar, with serine, which is neutral and polar, at codon 1855 of the SZT2 protein (p.Pro1855Ser). This variant is present in population databases (rs200870341, gnomAD 0.003%). This variant has not been reported in the literature in individuals affected with SZT2-related conditions. ClinVar contains an entry for this variant (Variation ID: 1933542). Invitae Evidence Modeling of protein sequence and biophysical properties (such as structural, functional, and spatial information, amino acid conservation, physicochemical variation, residue mobility, and thermodynamic stability) indicates that this missense variant is not expected to disrupt SZT2 protein function with a negative predictive value of 80%. In summary, the available evidence is currently insufficient to determine the role of this variant in disease. Therefore, it has been classified as a Variant of Uncertain Significance.

Blueprint Genetics
Classification: Uncertain significance. Last evaluated: 2022-08-12. Review status: criteria provided, single submitter. Criteria: ACMG Guidelines, 2015. Collection method: clinical testing. Allele origin: germline.